The following is an entry in ClinVar:

NM_000038.6(APC):c.8514C>T (p.Tyr2838=)

Gene: APC (APC regulator of Wnt signaling pathway; plus strand). Cytogenetic location: 5q22.2.
Variant type: single nucleotide variant.
Coding change: c.8514C>T on transcript NM_000038.6 (MANE Select); coding-DNA position 8514, C replaced by T.
Protein change: p.Tyr2838=; no amino-acid change (tyrosine 2838 retained).
Molecular consequence: synonymous variant. On other transcripts: non-coding transcript variant (2).
Genome position (GRCh38, 1-based): chr5:112,844,108, C>T. VCF-style: chr5-112844108-C-T. GRCh37 (hg19) VCF-style: chr5-112179805-C-T.
Other names: c.8514C>T, p.Tyr2838= (NM_001127510.3, NM_001354895.2, NM_001407450.1); c.8460C>T, p.Tyr2820= (NM_001127511.3); c.8568C>T, p.Tyr2856= (NM_001354896.2, NM_001407447.1, NM_001407448.1 and 1 more transcripts); c.8544C>T, p.Tyr2848= (NM_001354897.2); c.8439C>T, p.Tyr2813= (NM_001354898.2); c.8430C>T, p.Tyr2810= (NM_001354899.2); c.8391C>T, p.Tyr2797= (NM_001354900.2); c.8337C>T, p.Tyr2779= (NM_001354901.2, NM_001407453.1); and 11 more.
Identifiers: ClinVar variation 3253972 (VCV003253972.1), dbSNP rs876660375.

ClinVar aggregate classification (germline): Benign (1 of 4 stars; one submission).

Conditions:
Familial adenomatous polyposis 1 (FAP1). Also called: POLYPOSIS, ADENOMATOUS INTESTINAL; FAMILIAL ADENOMATOUS POLYPOSIS 1, ATTENUATED. Identifiers: MedGen C2713442, MONDO:0021056, OMIM 175100. Disease mechanism: loss of function.

Submission:

Myriad Genetics, Inc.
Classification: Benign for Familial adenomatous polyposis 1. Last evaluated: 2024-04-16. Review status: criteria provided, single submitter. Criteria: Myriad Autosomal Dominant, Autosomal Recessive and X-Linked Classification Criteria (2023). Collection method: clinical testing. Allele origin: unknown.
Comment: This variant is considered benign. This variant is a silent/synonymous amino acid change and it is not expected to impact splicing.